The following is an entry in ClinVar:

ClinVar aggregate classification (germline): Likely benign (1 of 4 stars; one submission).

Allele frequency attached by ClinVar (database versions not stated): gnomAD exomes below 0.00001.
gnomAD v4.1: 5 of 1,597,386 alleles (0.00031%); highest among the groups gnomAD compares: Non-Finnish European, 0.00043%; no homozygotes.

Submission:

GeneDx
Classification: Likely benign. Last evaluated: 2018-01-23. Review status: criteria provided, single submitter. Criteria: GeneDx Variant Classification (06012015). Collection method: clinical testing. Allele origin: germline. Affected: yes.
Comment: This variant is considered likely benign or benign based on one or more of the following criteria: it is a conservative change, it occurs at a poorly conserved position in the protein, it is predicted to be benign by multiple in silico algorithms, and/or has population frequency not consistent with disease.

NM_001267550.2(TTN):c.19153G>A (p.Ala6385Thr)

Gene: TTN (titin; minus strand). Cytogenetic location: 2q31.2.
Variant type: single nucleotide variant.
Coding change: c.19153G>A on transcript NM_001267550.2 (MANE Select); coding-DNA position 19153, G replaced by A.
Protein change: p.Ala6385Thr; replaces alanine 6385 with threonine.
Molecular consequence: missense variant. On other transcripts: intron variant (3).
Genome position (GRCh38, 1-based): chr2:178,728,773, C>T on the plus strand (G>A on the coding strand, the complement: TTN is on the minus strand). VCF-style: chr2-178728773-C-T. GRCh37 (hg19) VCF-style: chr2-179593500-C-T.
Other names: c.18202G>A, p.Ala6068Thr (NM_001256850.1); c.15421G>A, p.Ala5141Thr (NM_133378.4); c.13282+9309G>A (NM_003319.4); c.13858+9309G>A (NM_133437.4); c.13657+9309G>A (NM_133432.3); short protein forms A6068T, A6385T, A5141T.
Identifiers: ClinVar variation 515152 (VCV000515152.1), dbSNP rs1032273558, ClinGen allele CA60977323.